The following is an entry in ClinVar:

NM_006231.4(POLE):c.5775C>G (p.Ile1925Met)

Gene: POLE (DNA polymerase epsilon, catalytic subunit; minus strand). Cytogenetic location: 12q24.33.
Variant type: single nucleotide variant.
Coding change: c.5775C>G on transcript NM_006231.4 (MANE Select); coding-DNA position 5775, C replaced by G.
Protein change: p.Ile1925Met; replaces isoleucine 1925 with methionine.
Molecular consequence: missense variant.
Genome position (GRCh38, 1-based): chr12:132,635,928, G>C on the plus strand (C>G on the coding strand, the complement: POLE is on the minus strand). VCF-style: chr12-132635928-G-C. GRCh37 (hg19) VCF-style: chr12-133212514-G-C.
Other names: short protein forms I1925M.
Identifiers: ClinVar variation 1749573 (VCV001749573.2), dbSNP rs2138485331, ClinGen allele CA387372857.

ClinVar aggregate classification (germline): Uncertain significance (1 of 4 stars; one submission).

Conditions:
Hereditary cancer-predisposing syndrome. Also called: Hereditary Cancer Syndrome; Hereditary neoplastic syndrome; Neoplastic Syndromes, Hereditary; Tumor predisposition. Identifiers: Orphanet 140162, MedGen C0027672, MeSH D009386, MONDO:0015356.

Submission:

Ambry Genetics
Classification: Uncertain significance for Hereditary cancer-predisposing syndrome. Last evaluated: 2021-12-29. Review status: criteria provided, single submitter. Criteria: Ambry Variant Classification Scheme 2023. Collection method: clinical testing. Allele origin: germline.
Comment: The p.I1925M variant (also known as c.5775C>G), located in coding exon 42 of the POLE gene, results from a C to G substitution at nucleotide position 5775. The isoleucine at codon 1925 is replaced by methionine, an amino acid with highly similar properties. This amino acid position is conserved. In addition, this alteration is predicted to be tolerated by in silico analysis. Since supporting evidence is limited at this time, the clinical significance of this alteration remains unclear.